The following is an entry in ClinVar:

ClinVar aggregate classification (germline): Likely pathogenic. Review status: criteria provided, single submitter (1 of 4 stars). 2 submissions from 2 submitters: Likely pathogenic (1). 1 of the submissions does not count toward it. Last evaluated 2020-07-23.

Conditions:
Classic homocystinuria. Also called: Homocystinuria due to Cystathionine Beta-Synthase Deficiency; Homocystinuria due to CBS deficiency; Cystathionine beta-synthase deficiency; CBS deficiency; HOMOCYSTINURIA WITH OR WITHOUT RESPONSE TO PYRIDOXINE. Identifiers: Orphanet 394, MedGen C0751202, MONDO:0009352, OMIM 236200.
HYPERHOMOCYSTEINEMIA, THROMBOTIC, CBS-RELATED. Identifiers: MedGen C3150344, OMIM 236200.

Submissions (2):

Labcorp Genetics (formerly Invitae), Labcorp
Classification: Likely pathogenic for HYPERHOMOCYSTEINEMIA, THROMBOTIC, CBS-RELATED. Last evaluated: 2020-07-23. Review status: criteria provided, single submitter. Criteria: Invitae Variant Classification Sherloc (09022015). Collection method: clinical testing. Allele origin: germline.
Comment: This variant has not been reported in the literature in individuals with CBS-related conditions. ClinVar contains an entry for this variant (Variation ID: 556761). This variant is not present in population databases (ExAC no frequency). This sequence change affects a donor splice site in intron 10 of the CBS gene. It is expected to disrupt RNA splicing and likely results in an absent or disrupted protein product. In summary, the currently available evidence indicates that the variant is pathogenic, but additional data are needed to prove that conclusively. Therefore, this variant has been classified as Likely Pathogenic. Donor and acceptor splice site variants typically lead to a loss of protein function (PMID: 16199547), and loss-of-function variants in CBS are known to be pathogenic (PMID: 10338090, 12124992). Algorithms developed to predict the effect of sequence changes on RNA splicing suggest that this variant may disrupt the consensus splice site, but this prediction has not been confirmed by published transcriptional studies.

Counsyl
Classification: Likely pathogenic for Classic homocystinuria. Last evaluated: 2018-02-22. Review status: no assertion criteria provided. Collection method: clinical testing. Allele origin: unknown. Not counted in ClinVar's aggregate classification.

Literature cited by the submitters: PubMed 16199547 (cited by Labcorp Genetics (formerly Invitae), Labcorp); PubMed 10338090 (cited by Labcorp Genetics (formerly Invitae), Labcorp); PubMed 12124992 (cited by Labcorp Genetics (formerly Invitae), Labcorp).

NM_000071.3(CBS):c.954+2T>G

Gene: CBS (cystathionine beta-synthase; minus strand). Cytogenetic location: 21q22.3.
Variant type: single nucleotide variant.
Coding change: c.954+2T>G on transcript NM_000071.3 (MANE Select); the canonical splice donor site of the intron after coding-DNA position 954, T replaced by G.
Molecular consequence: splice donor variant.
Genome position (GRCh38, 1-based): chr21:43,062,951, A>C on the plus strand (T>G on the coding strand, the complement: CBS is on the minus strand). VCF-style: chr21-43062951-A-C. GRCh37 (hg19) VCF-style: chr21-44483061-A-C.
Other names: c.954+2T>G (NM_001320298.2, NM_001178009.3, NM_001178008.3); c.639+2T>G (NM_001321072.1).
Identifiers: ClinVar variation 556761 (VCV000556761.9), dbSNP rs1555874121, ClinGen allele CA410599926.